The following is an entry in ClinVar:

NM_001142864.4(PIEZO1):c.4888G>C (p.Glu1630Gln)

Gene: PIEZO1 (piezo type mechanosensitive ion channel component 1 (Er blood group); minus strand). Cytogenetic location: 16q24.3.
Variant type: single nucleotide variant.
Coding change: c.4888G>C on transcript NM_001142864.4 (MANE Select); coding-DNA position 4888, G replaced by C.
Protein change: p.Glu1630Gln; replaces glutamic acid 1630 with glutamine.
Molecular consequence: missense variant.
Genome position (GRCh38, 1-based): chr16:88,722,285, C>G on the plus strand (G>C on the coding strand, the complement: PIEZO1 is on the minus strand). VCF-style: chr16-88722285-C-G. GRCh37 (hg19) VCF-style: chr16-88788693-C-G.
Other names: p.Glu1630Gln; short protein forms E1630Q.
Identifiers: ClinVar variation 4795877 (VCV004795877.1).

ClinVar aggregate classification (germline): Uncertain significance (1 of 4 stars; one submission).

Conditions:
Lymphatic malformation 6 (LMPHM6). Also called: GENERALIZED LYMPHATIC DYSPLASIA OF FOTIOU; Lymphedema, hereditary, III; PIEZO1-related generalized lymphatic dysplasia with non-immune hydrops fetalis. Identifiers: Orphanet 568062, MedGen C4225184, MONDO:0014797, OMIM 616843.

Submission:

Department of Molecular Genetics, Istishari Arab Hospital
Classification: Uncertain significance for Lymphatic malformation 6. Last evaluated: 2026-02-16. Review status: criteria provided, single submitter. Criteria: ACMG Guidelines, 2015. Collection method: clinical testing. Allele origin: germline. Inheritance: Autosomal recessive inheritance. Affected: yes.
Comment: The PIEZO1 variant c.4888G>C, p.Glu1630Gln creates an amino acid change from Glu to Gln at position 1630 in exon 36 (out of 51 exons). The variant is not observed in the gnomAD v4.1.0 dataset, and to the best of our knowledge, it was not previously reported in the literature. It is classified as a variant of uncertain significance according to the recommendations of ACMG/AMP/ClinGen SVI guidelines.